The following is an entry in ClinVar:

NM_001034853.2(RPGR):c.706del (p.Gln236fs)

Gene: RPGR (retinitis pigmentosa GTPase regulator; minus strand). Cytogenetic location: Xp11.4.
Variant type: Deletion.
Coding change: c.706del on transcript NM_001034853.2 (MANE Select); coding-DNA position 706, one base deleted (C; older notation c.706delC).
Protein change: p.Gln236fs; shifts the reading frame from glutamine 236.
Molecular consequence: frameshift variant. On other transcripts: non-coding transcript variant (6).
Genome position (GRCh38, 1-based): chrX:38,310,687, G deleted on the plus strand (C on the coding strand, the reverse complement: RPGR is on the minus strand); the first of 4 consecutive G bases (chrX:38,310,687-38,310,690); deleting any one gives the same sequence. VCF-style (leftmost placement, unchanged base first): chrX-38310686-TG-T. GRCh37 (hg19) VCF-style: chrX-38169939-TG-T.
Other names: c.706del, p.Gln236fs (NM_000328.3, NM_001367246.1, NM_001367247.1 and 1 more transcripts); c.703del, p.Gln235fs (NM_001367245.1, NM_001367249.1, NM_001367250.1); c.736del, p.Gln246fs (NM_001367248.1); short protein forms Q235fs, Q246fs, Q236fs.
Identifiers: ClinVar variation 818021 (VCV000818021.1), dbSNP rs1601961173, ClinGen allele CA915951022.
Genomic context (GRCh38, chrX:38,310,686, plus strand): 5'-ACAGTATGCTCTCCACCACAGGCTACTTGGATCACCTTCTCCGGAATTTCAGACACCAGC[TG>T]GGGTGTTCTGTGATTGCCCAGGAGCTGATTGGGAAGACCTAACTTCCCATTCTCAGGTTC-3'

ClinVar aggregate classification (germline): Pathogenic (1 of 4 stars; one submission).

Submission:

GeneDx
Classification: Pathogenic. Last evaluated: 2019-02-06. Review status: criteria provided, single submitter. Criteria: GeneDx Variant Classification (06012015). Collection method: clinical testing. Allele origin: germline. Affected: yes.
Comment: The c.706delC variant in the RPGR gene has not been reported previously as a pathogenic variant nor as a benign variant, to our knowledge. The c.706delC variant causes a frameshift starting with codon Glutamine 236, changes this amino acid to a Serine residue, and creates a premature Stop codon at position 10 of the new reading frame, denoted p.Gln236SerfsX10. This variant is predicted to cause loss of normal protein function either through protein truncation or nonsense-mediated mRNA decay. The c.706delC variant is not observed in large population cohorts (Lek et al., 2016). We interpret c.706delC as a pathogenic variant.